The following is an entry in ClinVar:

NM_017617.5(NOTCH1):c.7399T>C (p.Ser2467Pro)

Gene: NOTCH1 (notch receptor 1; minus strand). Cytogenetic location: 9q34.3.
Variant type: single nucleotide variant.
Coding change: c.7399T>C on transcript NM_017617.5 (MANE Select); coding-DNA position 7399, T replaced by C.
Protein change: p.Ser2467Pro; replaces serine 2467 with proline.
Molecular consequence: missense variant.
Genome position (GRCh38, 1-based): chr9:136,496,340, A>G on the plus strand (T>C on the coding strand, the complement: NOTCH1 is on the minus strand). VCF-style: chr9-136496340-A-G. GRCh37 (hg19) VCF-style: chr9-139390792-A-G.
Other names: short protein forms S2467P.
Identifiers: ClinVar variation 4827153 (VCV004827153.1).
Genomic context (GRCh38, chr9:136,496,340, plus strand): 5'-GCGAGGGGGGCGTCAGGAACTGGGCTGCGGTCACGGGTGGGACCAGCGAGGATGGCAGCG[A>G]CGTGGGCAGGGCGGGGCTCTCCTGGGGCAGAATAGTGTGCACCGCCAGGCTGCTGGGGCC-3'
Protein context (NP_060087.3, residues 2457-2477): LPQESPALPT[Ser2467Pro]LPSSLVPPVT

ClinVar aggregate classification (germline): Uncertain significance (1 of 4 stars; one submission).

Conditions:
Familial thoracic aortic aneurysm and aortic dissection (TAAD). Also called: Thoracic aortic aneurysms and dissections. Identifiers: Orphanet 91387, MedGen C4707243, MONDO:0019625.

Submission:

Ambry Genetics
Classification: Uncertain significance for Familial thoracic aortic aneurysm and aortic dissection. Last evaluated: 2026-02-24. Review status: criteria provided, single submitter. Criteria: Ambry Variant Classification Scheme 2023. Collection method: clinical testing. Allele origin: germline.
Comment: The p.S2467P variant (also known as c.7399T>C), located in coding exon 34 of the NOTCH1 gene, results from a T to C substitution at nucleotide position 7399. The serine at codon 2467 is replaced by proline, an amino acid with similar properties. This amino acid position is conserved. In addition, this alteration is predicted to be tolerated by in silico analysis. Based on the available evidence, the clinical significance of this variant remains unclear.